The following is an entry in ClinVar:

ClinVar aggregate classification (germline): Uncertain significance (1 of 4 stars; one submission).

Conditions:
Dilated cardiomyopathy 1W (CMD1W). Identifiers: Orphanet 154, MedGen C1969639, MONDO:0012667, OMIM 611407.

Submission:

Labcorp Genetics (formerly Invitae), Labcorp
Classification: Uncertain significance for Dilated cardiomyopathy 1W. Last evaluated: 2024-12-18. Review status: criteria provided, single submitter. Criteria: Invitae Variant Classification Sherloc (09022015). Collection method: clinical testing. Allele origin: germline.
Comment: This sequence change creates a premature translational stop signal (p.Leu1015Serfs*15) in the VCL gene. It is expected to result in an absent or disrupted protein product. However, the current clinical and genetic evidence is not sufficient to establish whether loss-of-function variants in VCL cause disease. This variant is not present in population databases (gnomAD no frequency). This variant has not been reported in the literature in individuals affected with VCL-related conditions. ClinVar contains an entry for this variant (Variation ID: 2018025). Algorithms developed to predict the effect of sequence changes on RNA splicing suggest that this variant may create or strengthen a splice site. In summary, the available evidence is currently insufficient to determine the role of this variant in disease. Therefore, it has been classified as a Variant of Uncertain Significance.

NM_014000.3(VCL):c.3042del (p.Leu1015fs)

Gene: VCL (vinculin; plus strand). Cytogenetic location: 10q22.2.
Variant type: Deletion.
Coding change: c.3042del on transcript NM_014000.3 (MANE Select); coding-DNA position 3042, one base deleted (A; older notation c.3042delA).
Protein change: p.Leu1015fs; shifts the reading frame from leucine 1015.
Molecular consequence: frameshift variant.
Genome position (GRCh38, 1-based): chr10:74,114,276, A deleted. VCF-style (leftmost placement, unchanged base first): chr10-74114275-CA-C. GRCh37 (hg19) VCF-style: chr10-75874033-CA-C.
Other names: c.2838del, p.Leu947fs (NM_003373.4); short protein forms L1015fs, L947fs.
Identifiers: ClinVar variation 2018025 (VCV002018025.4), dbSNP rs2549237200, ClinGen allele CA2580081948.